The following is an entry in ClinVar:

NM_001458.5(FLNC):c.3773C>G (p.Pro1258Arg)

Gene: FLNC (filamin C; plus strand). Cytogenetic location: 7q32.1.
Variant type: single nucleotide variant.
Coding change: c.3773C>G on transcript NM_001458.5 (MANE Select); coding-DNA position 3773, C replaced by G.
Protein change: p.Pro1258Arg; replaces proline 1258 with arginine.
Molecular consequence: missense variant.
Genome position (GRCh38, 1-based): chr7:128,845,238, C>G. VCF-style: chr7-128845238-C-G. GRCh37 (hg19) VCF-style: chr7-128485292-C-G.
Other names: c.3773C>G, p.Pro1258Arg (NM_001127487.2); short protein forms P1258R.
Identifiers: ClinVar variation 1404135 (VCV001404135.10), dbSNP rs1425684282, ClinGen allele CA369198022.

ClinVar aggregate classification (germline): Conflicting classifications of pathogenicity. Review status: criteria provided, conflicting classifications (1 of 4 stars). 2 submissions from 2 submitters: Uncertain significance (1); Likely benign (1). Last evaluated 2025-10-29.

Conditions:
Hypertrophic cardiomyopathy 26. Also called: Cardiomyopathy, familial hypertrophic, 26. Identifiers: Orphanet 75249, MedGen C4310749, MONDO:0014883, OMIM 617047.
Myofibrillar myopathy 5. Also called: FILAMINOPATHY, AUTOSOMAL DOMINANT; Filaminopathy (type). Identifiers: Orphanet 171445, MedGen C1836050, MONDO:0012289, OMIM 609524.
Distal myopathy with posterior leg and anterior hand involvement. Also called: WILLIAMS DISTAL MYOPATHY. Identifiers: Orphanet 63273, MedGen C3279722, MONDO:0013550, OMIM 614065.
Cardiovascular phenotype. Identifiers: MedGen CN230736.

Allele frequency attached by ClinVar (database versions not stated): TOPMed below 0.00001; gnomAD 0.00001.
gnomAD v4.1: 1 of 1,613,472 alleles (0.000062%); highest among the groups gnomAD compares: African/African-American, 0.0013%; no homozygotes.

Submissions (2):

Labcorp Genetics (formerly Invitae), Labcorp
Classification: Likely benign for Distal myopathy with posterior leg and anterior hand involvement; Myofibrillar myopathy 5; Hypertrophic cardiomyopathy 26. Last evaluated: 2025-10-29. Review status: criteria provided, single submitter. Criteria: Invitae Variant Classification Sherloc (09022015). Collection method: clinical testing. Allele origin: germline.

Ambry Genetics
Classification: Uncertain significance for Cardiovascular phenotype. Last evaluated: 2022-09-27. Review status: criteria provided, single submitter. Criteria: Ambry Variant Classification Scheme 2023. Collection method: clinical testing. Allele origin: germline.
Comment: The p.P1258R variant (also known as c.3773C>G), located in coding exon 21 of the FLNC gene, results from a C to G substitution at nucleotide position 3773. The proline at codon 1258 is replaced by arginine, an amino acid with dissimilar properties. This amino acid position is conserved. In addition, this alteration is predicted to be deleterious by in silico analysis. Since supporting evidence is limited at this time, the clinical significance of this alteration remains unclear.